The following is an entry in ClinVar:

ClinVar aggregate classification (germline): Uncertain significance. Review status: criteria provided, multiple submitters, no conflicts (2 of 4 stars). 3 submissions from 3 submitters: Uncertain significance (3). Last evaluated 2026-02-01.

Conditions:
Cardiovascular phenotype. Identifiers: MedGen CN230736.
Arrhythmogenic right ventricular dysplasia 12. Also called: ARRHYTHMOGENIC RIGHT VENTRICULAR DYSPLASIA, FAMILIAL, 12. Identifiers: MedGen C1969081, MONDO:0012684, OMIM 611528.
Naxos disease (NXD). Also called: PALMOPLANTAR KERATODERMA WITH ARRHYTHMOGENIC RIGHT VENTRICULAR CARDIOMYOPATHY AND WOOLLY HAIR; WOOLLY HAIR, PALMOPLANTAR KERATODERMA, AND CARDIAC ABNORMALITIES; KERATOSIS PALMOPLANTARIS WITH ARRHYTHMOGENIC CARDIOMYOPATHY; MAL DE NAXOS; CARDIOMYOPATHY, ARRHYTHMOGENIC RIGHT VENTRICULAR, WITH SKIN, HAIR, AND NAIL ABNORMALITIES. Identifiers: Orphanet 34217, MedGen C1832600, MONDO:0011017, OMIM 601214.

Allele frequency attached by ClinVar (database versions not stated): gnomAD 0.00001; gnomAD exomes 0.00002; TOPMed 0.00003.
gnomAD v4.1: 57 of 1,599,136 alleles (0.0036%); highest among the groups gnomAD compares: Non-Finnish European, 0.0045%; no homozygotes.

Submissions (3):

Labcorp Genetics (formerly Invitae), Labcorp
Classification: Uncertain significance for Arrhythmogenic right ventricular dysplasia 12; Naxos disease. Last evaluated: 2026-02-01. Review status: criteria provided, single submitter. Criteria: Invitae Variant Classification Sherloc (09022015). Collection method: clinical testing. Allele origin: germline.
Comment: This sequence change replaces threonine, which is neutral and polar, with methionine, which is neutral and non-polar, at codon 551 of the JUP protein (p.Thr551Met). The frequency data for this variant in the population databases is considered unreliable, as metrics indicate poor data quality at this position in the gnomAD database. This variant has not been reported in the literature in individuals affected with JUP-related conditions. ClinVar contains an entry for this variant (Variation ID: 1047344). An algorithm developed to predict the effect of missense changes on protein structure and function (PolyPhen-2) suggests that this variant is likely to be tolerated. In summary, the available evidence is currently insufficient to determine the role of this variant in disease. Therefore, it has been classified as a Variant of Uncertain Significance.

Ambry Genetics
Classification: Uncertain significance for Cardiovascular phenotype. Last evaluated: 2024-12-30. Review status: criteria provided, single submitter. Criteria: Ambry Variant Classification Scheme 2023. Collection method: clinical testing. Allele origin: germline.

GeneDx
Classification: Uncertain significance. Last evaluated: 2024-06-25. Review status: criteria provided, single submitter. Criteria: GeneDx Variant Classification Process June 2021. Collection method: clinical testing. Allele origin: germline. Affected: yes.
Comment: Has not been previously published as pathogenic or benign to our knowledge; Not observed at significant frequency in large population cohorts (gnomAD); In silico analysis indicates that this missense variant does not alter protein structure/function

NM_002230.4(JUP):c.1652C>T (p.Thr551Met)

Gene: JUP (junction plakoglobin; minus strand). Cytogenetic location: 17q21.2.
Variant type: single nucleotide variant.
Coding change: c.1652C>T on transcript NM_002230.4 (MANE Select); coding-DNA position 1652, C replaced by T.
Protein change: p.Thr551Met; replaces threonine 551 with methionine.
Molecular consequence: missense variant.
Genome position (GRCh38, 1-based): chr17:41,758,716, G>A on the plus strand (C>T on the coding strand, the complement: JUP is on the minus strand). VCF-style: chr17-41758716-G-A. GRCh37 (hg19) VCF-style: chr17-39914968-G-A.
Other names: c.1652C>T, p.Thr551Met (NM_001352773.2, NM_001352774.2, NM_001352775.2 and 3 more transcripts); short protein forms T551M.
Identifiers: ClinVar variation 1047344 (VCV001047344.12), dbSNP rs1038719021, ClinGen allele CA290696215.